The following is an entry in ClinVar:

NM_017986.4(SLC52A1):c.742G>T (p.Glu248Ter)

Gene: SLC52A1 (solute carrier family 52 member 1; minus strand). Cytogenetic location: 17p13.2.
Variant type: single nucleotide variant.
Coding change: c.742G>T on transcript NM_017986.4 (MANE Select); coding-DNA position 742, G replaced by T.
Protein change: p.Glu248Ter; replaces glutamic acid 248 with a stop codon.
Molecular consequence: nonsense.
Genome position (GRCh38, 1-based): chr17:5,033,747, C>A on the plus strand (G>T on the coding strand, the complement: SLC52A1 is on the minus strand). VCF-style: chr17-5033747-C-A. GRCh37 (hg19) VCF-style: chr17-4937042-C-A.
Other names: c.742G>T, p.Glu248Ter (NM_001104577.2); short protein forms E248*.
Identifiers: ClinVar variation 2799257 (VCV002799257.3), dbSNP rs776223802, ClinGen allele CA8319720.

ClinVar aggregate classification (germline): Uncertain significance (1 of 4 stars; one submission).

Conditions:
Vitamin B2 deficiency. Identifiers: MedGen C0035528.

Allele frequency attached by ClinVar (database versions not stated): gnomAD exomes 0.00001; ExAC 0.00002; gnomAD 0.00002; TOPMed 0.00002.

Submission:

Labcorp Genetics (formerly Invitae), Labcorp
Classification: Uncertain significance for Vitamin B2 deficiency. Last evaluated: 2023-05-05. Review status: criteria provided, single submitter. Criteria: Invitae Variant Classification Sherloc (09022015). Collection method: clinical testing. Allele origin: germline.
Comment: In summary, the available evidence is currently insufficient to determine the role of this variant in disease. Therefore, it has been classified as a Variant of Uncertain Significance. Algorithms developed to predict the effect of sequence changes on RNA splicing suggest that this variant may create or strengthen a splice site. This variant has not been reported in the literature in individuals affected with SLC52A1-related conditions. This variant is present in population databases (rs776223802, gnomAD 0.02%). This sequence change creates a premature translational stop signal (p.Glu248*) in the SLC52A1 gene. It is expected to result in an absent or disrupted protein product. However, the current clinical and genetic evidence is not sufficient to establish whether loss-of-function variants in SLC52A1 cause disease.